The following is an entry in ClinVar:

NM_006031.6(PCNT):c.27C>T (p.Arg9=)

Gene: PCNT (pericentrin; plus strand). Cytogenetic location: 21q22.3.
Variant type: single nucleotide variant.
Coding change: c.27C>T on transcript NM_006031.6 (MANE Select); coding-DNA position 27, C replaced by T.
Protein change: p.Arg9=; no amino-acid change (arginine 9 retained).
Molecular consequence: synonymous variant.
Genome position (GRCh38, 1-based): chr21:46,324,255, C>T. VCF-style: chr21-46324255-C-T. GRCh37 (hg19) VCF-style: chr21-47744169-C-T.
Other names: c.27C>T (NM_006031.5).
Identifiers: ClinVar variation 2974053 (VCV002974053.4), dbSNP rs2083277782, ClinGen allele CA512743526.
Genomic context (GRCh38, chr21:46,324,255, plus strand): 5'-CACCGCCGGGCGGCCCGCGCGGAGTCTGAGGGAGATGGAAGTTGAGCAAGAGCAGCGGCG[C>T]AGAAAGGTGGAGGCCGGGAGGACGAAGGTAAACATTAGGGGCTTCTTCTCTAGCTGCTCT-3'
Protein context (NP_006022.3, residues 1-19): MEVEQEQR[Arg9=]RKVEAGRTKL

ClinVar aggregate classification (germline): Likely benign. Review status: criteria provided, multiple submitters, no conflicts (2 of 4 stars). 2 submissions from 2 submitters: Likely benign (2). Last evaluated 2026-06-23.

Conditions:
PCNT-related disorder. Also called: PCNT-related condition.

Submissions (2):

PreventionGenetics, part of Exact Sciences
Classification: Likely benign for PCNT-related condition. Last evaluated: 2026-06-23. Review status: criteria provided, single submitter. Criteria: ACMG Guidelines, 2015. Collection method: clinical testing. Allele origin: germline.
Comment: This variant is classified as likely benign based on ACMG/AMP sequence variant interpretation guidelines (Richards et al. 2015 PMID: 25741868, with internal and published modifications).

Labcorp Genetics (formerly Invitae), Labcorp
Classification: Likely benign. Last evaluated: 2023-11-13. Review status: criteria provided, single submitter. Criteria: Invitae Variant Classification Sherloc (09022015). Collection method: clinical testing. Allele origin: germline.